The following is an entry in ClinVar:

ClinVar aggregate classification (germline): Uncertain significance (1 of 4 stars; one submission).

Submission:

Labcorp Genetics (formerly Invitae), Labcorp
Classification: Uncertain significance. Last evaluated: 2022-07-27. Review status: criteria provided, single submitter. Criteria: Invitae Variant Classification Sherloc (09022015). Collection method: clinical testing. Allele origin: germline.
Comment: In summary, the available evidence is currently insufficient to determine the role of this variant in disease. Therefore, it has been classified as a Variant of Uncertain Significance. Variants that disrupt the consensus splice site are a relatively common cause of aberrant splicing (PMID: 17576681, 9536098). Algorithms developed to predict the effect of sequence changes on RNA splicing suggest that this variant may disrupt the consensus splice site. Algorithms developed to predict the effect of missense changes on protein structure and function are either unavailable or do not agree on the potential impact of this missense change (SIFT: "Tolerated"; PolyPhen-2: "Possibly Damaging"; Align-GVGD: "Class C0"). This variant has not been reported in the literature in individuals affected with POLE-related conditions. This variant is not present in population databases (gnomAD no frequency). This sequence change replaces arginine, which is basic and polar, with threonine, which is neutral and polar, at codon 1793 of the POLE protein (p.Arg1793Thr). This variant also falls at the last nucleotide of exon 39, which is part of the consensus splice site for this exon.

Literature cited by the submitters: PubMed 17576681; PubMed 9536098.

NM_006231.4(POLE):c.5378G>C (p.Arg1793Thr)

Gene: POLE (DNA polymerase epsilon, catalytic subunit; minus strand). Cytogenetic location: 12q24.33.
Variant type: single nucleotide variant.
Coding change: c.5378G>C on transcript NM_006231.4 (MANE Select); coding-DNA position 5378, G replaced by C.
Protein change: p.Arg1793Thr; replaces arginine 1793 with threonine.
Molecular consequence: missense variant.
Genome position (GRCh38, 1-based): chr12:132,641,647, C>G on the plus strand (G>C on the coding strand, the complement: POLE is on the minus strand). VCF-style: chr12-132641647-C-G. GRCh37 (hg19) VCF-style: chr12-133218233-C-G.
Other names: short protein forms R1793T.
Identifiers: ClinVar variation 2019959 (VCV002019959.4), dbSNP rs2541879925, ClinGen allele CA387375638.